The following is an entry in ClinVar:

NM_014141.6(CNTNAP2):c.3607G>C (p.Val1203Leu)

Gene: CNTNAP2 (contactin associated protein 2; plus strand). Cytogenetic location: 7q36.1.
Variant type: single nucleotide variant.
Coding change: c.3607G>C on transcript NM_014141.6 (MANE Select); coding-DNA position 3607, G replaced by C.
Protein change: p.Val1203Leu; replaces valine 1203 with leucine.
Molecular consequence: missense variant.
Genome position (GRCh38, 1-based): chr7:148,383,780, G>C. VCF-style: chr7-148383780-G-C. GRCh37 (hg19) VCF-style: chr7-148080872-G-C.
Other names: short protein forms V1203L.
Identifiers: ClinVar variation 589981 (VCV000589981.11), dbSNP rs745397865, ClinGen allele CA369704655.
Genomic context (GRCh38, chr7:148,383,780, plus strand): 5'-CAGTTCAACCAGATCGCCCCTCTCAAGGCCGCCTTGAGGCAGACAAACGCCTCGGCTCAC[G>C]TCCACATCCAGGGCGAGCTGGTGGAGTCCAACTGCGGGGCCTCGCCGCTGACCCTCTCCC-3'
Protein context (NP_054860.1, residues 1193-1213): ALRQTNASAH[Val1203Leu]HIQGELVESN

ClinVar aggregate classification (germline): Uncertain significance. Review status: criteria provided, multiple submitters, no conflicts (2 of 4 stars). 2 submissions from 2 submitters: Uncertain significance (2). Last evaluated 2022-08-20.

Conditions:
Inborn genetic diseases. Identifiers: MedGen C0950123, MeSH D030342.
Cortical dysplasia-focal epilepsy syndrome (PTHSL1). Also called: Pitt-Hopkins-like syndrome 1. Identifiers: Orphanet 163681, Orphanet 221150, MedGen C2750246, MONDO:0012400, OMIM 610042.

gnomAD v4.1: 1 of 1,614,038 alleles (0.000062%); highest among the groups gnomAD compares: Non-Finnish European, 0.000085%; no homozygotes.

Submissions (2):

Labcorp Genetics (formerly Invitae), Labcorp
Classification: Uncertain significance for Cortical dysplasia-focal epilepsy syndrome. Last evaluated: 2022-08-20. Review status: criteria provided, single submitter. Criteria: Invitae Variant Classification Sherloc (09022015). Collection method: clinical testing. Allele origin: germline.
Comment: ClinVar contains an entry for this variant (Variation ID: 589981). Algorithms developed to predict the effect of missense changes on protein structure and function (SIFT, PolyPhen-2, Align-GVGD) all suggest that this variant is likely to be tolerated. This variant has not been reported in the literature in individuals affected with CNTNAP2-related conditions. This variant is present in population databases (no rsID available, gnomAD 0.0009%). This sequence change replaces valine, which is neutral and non-polar, with leucine, which is neutral and non-polar, at codon 1203 of the CNTNAP2 protein (p.Val1203Leu). In summary, the available evidence is currently insufficient to determine the role of this variant in disease. Therefore, it has been classified as a Variant of Uncertain Significance.

Ambry Genetics
Classification: Uncertain significance for Inborn genetic diseases. Last evaluated: 2016-12-13. Review status: criteria provided, single submitter. Criteria: Ambry Variant Classification Scheme 2023. Collection method: clinical testing. Allele origin: germline.
Comment: The p.V1203L variant (also known as c.3607G>C), located in coding exon 22 of the CNTNAP2 gene, results from a G to C substitution at nucleotide position 3607. The valine at codon 1203 is replaced by leucine, an amino acid with highly similar properties. This amino acid position is highly conserved in available vertebrate species. In addition, the in silico prediction for this alteration is inconclusive. Since supporting evidence is limited at this time, the clinical significance of this alteration remains unclear.